The following is an entry in ClinVar:

NM_000268.4(NF2):c.1341G>T (p.Arg447Ser)

Gene: NF2 (NF2, moesin-ezrin-radixin like (MERLIN) tumor suppressor; plus strand). Cytogenetic location: 22q12.2.
Variant type: single nucleotide variant.
Coding change: c.1341G>T on transcript NM_000268.4 (MANE Select); coding-DNA position 1341, G replaced by T.
Protein change: p.Arg447Ser; replaces arginine 447 with serine.
Molecular consequence: missense variant. On other transcripts: non-coding transcript variant (1), intron variant (1).
Genome position (GRCh38, 1-based): chr22:29,674,836, G>T. VCF-style: chr22-29674836-G-T. GRCh37 (hg19) VCF-style: chr22-30070825-G-T.
Other names: c.1227G>T, p.Arg409Ser (NM_001407053.1, NM_001407056.1); c.1218G>T, p.Arg406Ser (NM_001407054.1, NM_001407058.1, NM_181829.3); c.1215G>T, p.Arg405Ser (NM_001407055.1, NM_181828.3); c.1206G>T, p.Arg402Ser (NM_001407057.1, NM_001407059.1); c.1341G>T, p.Arg447Ser (NM_001407060.1, NM_001407066.1, NM_016418.5 and 2 more transcripts); c.1083G>T, p.Arg361Ser (NM_001407062.1); c.1092G>T, p.Arg364Ser (NM_001407063.1, NM_001407064.1, NM_181830.3 and 1 more transcripts); c.807G>T, p.Arg269Ser (NM_001407065.1); and 2 more; short protein forms R370S, R402S, R447S, R269S, R364S, R406S, R361S, R405S.
Identifiers: ClinVar variation 1770382 (VCV001770382.6), dbSNP rs2066911364, ClinGen allele CA411148810.
Genomic context (GRCh38, chr22:29,674,836, plus strand): 5'-GTGTCTTTTCCTGCTACCTGCCCTCTTCTGTGAAGCTGACATCTCATCCTTTCCTTGCAG[G>T]GCCAAAGAGGCAGATCAGCTGAAGCAGGACCTGCAGGAAGCACGCGAGGCGGAGCGAAGA-3'
Protein context (NP_000259.1, residues 437-457): ALKMAEESER[Arg447Ser]AKEADQLKQD

ClinVar aggregate classification (germline): Uncertain significance. Review status: criteria provided, multiple submitters, no conflicts (2 of 4 stars). 3 submissions from 3 submitters: Uncertain significance (3). Last evaluated 2023-10-02.

Conditions:
Hereditary cancer-predisposing syndrome. Also called: Hereditary Cancer Syndrome; Hereditary neoplastic syndrome; Neoplastic Syndromes, Hereditary; Tumor predisposition. Identifiers: Orphanet 140162, MedGen C0027672, MeSH D009386, MONDO:0015356.
Familial meningioma. Also called: Meningioma, familial, susceptibility to. Identifiers: Orphanet 263662, MedGen C3551915, MONDO:0011789, OMIM 607174.
Neurofibromatosis, type 2 (SWNV). Also called: SCHWANNOMATOSIS, VESTIBULAR; NF2-Related Schwannomatosis; BILATERAL ACOUSTIC NEUROFIBROMATOSIS. Identifiers: Orphanet 637, MedGen C0027832, MONDO:0007039, OMIM 101000. Disease mechanism: loss of function.

Submissions (3):

Baylor Genetics
Classification: Uncertain significance for Familial meningioma. Last evaluated: 2023-10-02. Review status: criteria provided, single submitter. Criteria: ACMG Guidelines, 2015. Collection method: clinical testing. Allele origin: unknown.

Labcorp Genetics (formerly Invitae), Labcorp
Classification: Uncertain significance for Neurofibromatosis, type 2. Last evaluated: 2023-07-16. Review status: criteria provided, single submitter. Criteria: Invitae Variant Classification Sherloc (09022015). Collection method: clinical testing. Allele origin: germline.
Comment: In summary, the available evidence is currently insufficient to determine the role of this variant in disease. Therefore, it has been classified as a Variant of Uncertain Significance. This variant is not present in population databases (gnomAD no frequency). This sequence change replaces arginine, which is basic and polar, with serine, which is neutral and polar, at codon 447 of the NF2 protein (p.Arg447Ser). An algorithm developed to predict the effect of missense changes on protein structure and function (PolyPhen-2) suggests that this variant is likely to be disruptive. ClinVar contains an entry for this variant (Variation ID: 1770382). This variant has not been reported in the literature in individuals affected with NF2-related conditions.

Ambry Genetics
Classification: Uncertain significance for Hereditary cancer-predisposing syndrome. Last evaluated: 2022-07-17. Review status: criteria provided, single submitter. Criteria: Ambry Variant Classification Scheme 2023. Collection method: clinical testing. Allele origin: germline.
Comment: The p.R447S variant (also known as c.1341G>T) is located in coding exon 13 of the NF2 gene. The arginine at codon 447 is replaced by serine, an amino acid with dissimilar properties. This change occurs in the first base pair of coding exon 13. This amino acid position is conserved. In addition, this alteration is predicted to be deleterious by in silico analysis. Since supporting evidence is limited at this time, the clinical significance of this alteration remains unclear.